The following is an entry in ClinVar:

NM_000631.5(NCF4):c.471-1G>A

Gene: NCF4 (neutrophil cytosolic factor 4; plus strand). Cytogenetic location: 22q12.3.
Variant type: single nucleotide variant.
Coding change: c.471-1G>A on transcript NM_000631.5 (MANE Select); the canonical splice acceptor site of the intron before coding-DNA position 471, G replaced by A.
Molecular consequence: splice acceptor variant.
Genome position (GRCh38, 1-based): chr22:36,871,651, G>A. VCF-style: chr22-36871651-G-A. GRCh37 (hg19) VCF-style: chr22-37267693-G-A.
Other names: c.471-1G>A (NM_013416.4).
Identifiers: ClinVar variation 2504047 (VCV002504047.1), dbSNP rs867575163, ClinGen allele CA323992330.
Genomic context (GRCh38, chr22:36,871,651, plus strand): 5'-AGCAGGAAGCTGGGCCCTGAGAGAATCACAGGGCTAACAAGCCCCTCTTCTCTCTCCACA[G>A]CAAGAGCGTGTCCCCACAGGGCAACAGCGTTGACCGCATGGCAGCTCCGAGAGCAGAGGT-3'

ClinVar aggregate classification (germline): Likely pathogenic (1 of 4 stars; one submission).

Conditions:
Chronic granulomatous disease. Identifiers: Orphanet 379, MedGen C0018203, MONDO:0018305.

Submission:

Women's Health and Genetics/Laboratory Corporation of America, LabCorp
Classification: Likely pathogenic for Chronic granulomatous disease. Last evaluated: 2023-04-13. Review status: criteria provided, single submitter. Criteria: LabCorp Variant Classification Summary - May 2015. Collection method: clinical testing. Allele origin: germline.
Comment: Variant summary: NCF4 c.471-1G>A is located in a canonical splice-site and is predicted to affect mRNA splicing resulting in a significantly altered protein due to either exon skipping, shortening, or inclusion of intronic material. Several computational tools predict a significant impact on normal splicing: Four predict the variant abolishes a canonical 3' acceptor site. However, these predictions have yet to be confirmed by functional studies. The variant was absent in 183114 control chromosomes. To our knowledge, no occurrence of c.471-1G>A in individuals affected with Chronic Granulomatous Disease and no experimental evidence demonstrating its impact on protein function have been reported. No submitters have provided clinical-significance assessments for this variant to ClinVar after 2014. Based on the evidence outlined above, the variant was classified as likely pathogenic.